The following is an entry in ClinVar:

ClinVar aggregate classification (germline): Uncertain significance (1 of 4 stars; one submission).

Conditions:
Bethlem myopathy 1A. Also called: MYOPATHY, BENIGN CONGENITAL, WITH CONTRACTURES; Bethlem myopathy 1; Bethlem Muscular Dystrophy. Identifiers: Orphanet 610, MedGen CN029274, MONDO:0024530, OMIM 158810.

Submission:

Labcorp Genetics (formerly Invitae), Labcorp
Classification: Uncertain significance for Bethlem myopathy 1A. Last evaluated: 2025-12-16. Review status: criteria provided, single submitter. Criteria: Invitae Variant Classification Sherloc (09022015). Collection method: clinical testing. Allele origin: germline.
Comment: This variant, c.7995_8012del, results in the deletion of 6 amino acid(s) of the COL6A3 protein (p.Val2666_Pro2671del), but otherwise preserves the integrity of the reading frame. This variant is not present in population databases (gnomAD no frequency). This variant has not been reported in the literature in individuals affected with COL6A3-related conditions. Experimental studies and prediction algorithms are not available or were not evaluated, and the functional significance of this variant is currently unknown. In summary, the available evidence is currently insufficient to determine the role of this variant in disease. Therefore, it has been classified as a Variant of Uncertain Significance.

NM_004369.4(COL6A3):c.7995_8012del (p.Val2666_Pro2671del)

Gene: COL6A3 (collagen type VI alpha 3 chain; minus strand). Cytogenetic location: 2q37.3.
Variant type: Deletion.
Coding change: c.7995_8012del on transcript NM_004369.4 (MANE Select); coding-DNA positions 7995 to 8012, 18 bases deleted (AGTTGTGCAGCACGCGCC).
Protein change: p.Val2666_Pro2671del.
Molecular consequence: inframe deletion.
Genome position (GRCh38, 1-based): chr2:237,340,904-237,340,921, GGCGCGTGCTGCACAACT deleted on the plus strand (AGTTGTGCAGCACGCGCC on the coding strand, the reverse complement: COL6A3 is on the minus strand); deleting any 18 consecutive bases within chr2:237,340,904-237,340,922 gives the same sequence; the c. name uses the placement nearest the transcript's 3' end. VCF-style (leftmost placement, unchanged base first): chr2-237340903-GGGCGCGTGCTGCACAACT-G. GRCh37 (hg19) VCF-style: chr2-238249546-GGGCGCGTGCTGCACAACT-G.
Other names: c.6174_6191del, p.Val2059_Pro2064del (NM_057166.5); c.7377_7394del, p.Val2460_Pro2465del (NM_057167.4).
Identifiers: ClinVar variation 4732808 (VCV004732808.1).